The following is an entry in ClinVar:

ClinVar aggregate classification (germline): Uncertain significance (1 of 4 stars; one submission).

Submission:

Ambry Genetics
Classification: Uncertain significance. Last evaluated: 2022-12-12. Review status: criteria provided, single submitter. Criteria: Ambry Variant Classification Scheme 2023. Collection method: clinical testing. Allele origin: germline.
Comment: The p.G58D variant (also known as c.173G>A), located in coding exon 1 of the MNDA gene, results from a G to A substitution at nucleotide position 173. The glycine at codon 58 is replaced by aspartic acid, an amino acid with similar properties. This amino acid position is conserved. In addition, this alteration is predicted to be tolerated by in silico analysis. Since supporting evidence is limited at this time, the clinical significance of this alteration remains unclear.

NM_002432.3(MNDA):c.173G>A (p.Gly58Asp)

Gene: MNDA (myeloid cell nuclear differentiation antigen; plus strand). Cytogenetic location: 1q23.1.
Variant type: single nucleotide variant.
Coding change: c.173G>A on transcript NM_002432.3 (MANE Select); coding-DNA position 173, G replaced by A.
Protein change: p.Gly58Asp; replaces glycine 58 with aspartic acid.
Molecular consequence: missense variant.
Genome position (GRCh38, 1-based): chr1:158,842,326, G>A. VCF-style: chr1-158842326-G-A. GRCh37 (hg19) VCF-style: chr1-158812116-G-A.
Other names: short protein forms G58D.
Identifiers: ClinVar variation 2496898 (VCV002496898.2), dbSNP rs1018000326, ClinGen allele CA343036967.